The following is an entry in ClinVar:

ClinVar aggregate classification (germline): Benign/Likely benign. Review status: criteria provided, multiple submitters, no conflicts (2 of 4 stars). 3 submissions from 3 submitters: Benign (1); Likely benign (1). 1 of the submissions does not count toward it. Last evaluated 2024-12-13.

Conditions:
Hereditary cancer-predisposing syndrome. Also called: Tumor predisposition; Hereditary neoplastic syndrome; Neoplastic Syndromes, Hereditary; Hereditary Cancer Syndrome. Identifiers: Orphanet 140162, MedGen C0027672, MeSH D009386, MONDO:0015356.
Papillary renal cell carcinoma type 1 (RCCP1). Also called: RENAL CELL CARCINOMA, PAPILLARY, 1, SOMATIC; Renal adenocarcinoma; Renal cell carcinoma 1; Renal cell carcinoma, somatic. Identifiers: Orphanet 47044, MedGen C1336839, OMIM 605074, HP:0011797.

Allele frequency attached by ClinVar (database versions not stated): gnomAD exomes below 0.00001.
gnomAD v4.1: 1 of 1,614,094 alleles (0.000062%); highest among the groups gnomAD compares: Non-Finnish European, 0.000085%; no homozygotes.

Submissions (3):

Ambry Genetics
Classification: Likely benign for Hereditary cancer-predisposing syndrome. Last evaluated: 2024-12-13. Review status: criteria provided, single submitter. Criteria: Ambry Variant Classification Scheme 2023. Collection method: clinical testing. Allele origin: germline.

Myriad Genetics, Inc.
Classification: Benign for Papillary renal cell carcinoma type 1. Last evaluated: 2024-11-14. Review status: criteria provided, single submitter. Criteria: Myriad Autosomal Dominant, Autosomal Recessive and X-Linked Classification Criteria (2023). Collection method: clinical testing. Allele origin: unknown.
Comment: This variant is considered benign. This variant is a silent/synonymous amino acid change and it is not expected to impact splicing.

Labcorp Genetics (formerly Invitae), Labcorp
Classification: Likely benign for Renal cell carcinoma, papillary, 1. Last evaluated: 2014-11-06. Review status: no assertion criteria provided. Collection method: clinical testing. Allele origin: germline. Not counted in ClinVar's aggregate classification.

NM_000245.4(MET):c.3867C>T (p.Thr1289=)

Gene: MET (MET proto-oncogene, receptor tyrosine kinase; plus strand). Cytogenetic location: 7q31.2.
Variant type: single nucleotide variant.
Coding change: c.3867C>T on transcript NM_000245.4 (MANE Select); coding-DNA position 3867, C replaced by T.
Protein change: p.Thr1289=; no amino-acid change (threonine 1289 retained).
Molecular consequence: synonymous variant.
Genome position (GRCh38, 1-based): chr7:116,795,723, C>T. VCF-style: chr7-116795723-C-T. GRCh37 (hg19) VCF-style: chr7-116435777-C-T.
Other names: c.3921C>T (LRG_662t1); c.3921C>T, p.Thr1307= (NM_001127500.3); c.2577C>T, p.Thr859= (NM_001324402.2).
Identifiers: ClinVar variation 132689 (VCV000132689.3), dbSNP rs587780532, ClinGen allele CA331984.